The following is an entry in ClinVar:

ClinVar aggregate classification (germline): Uncertain significance (1 of 4 stars; one submission).

Submission:

Labcorp Genetics (formerly Invitae), Labcorp
Classification: Uncertain significance. Last evaluated: 2025-08-25. Review status: criteria provided, single submitter. Criteria: Invitae Variant Classification Sherloc (09022015). Collection method: clinical testing. Allele origin: germline.
Comment: This sequence change replaces serine, which is neutral and polar, with cysteine, which is neutral and slightly polar, at codon 1221 of the COL2A1 protein (p.Ser1221Cys). This variant is not present in population databases (gnomAD no frequency). This variant has not been reported in the literature in individuals affected with COL2A1-related conditions. Invitae Evidence Modeling of protein sequence and biophysical properties (such as structural, functional, and spatial information, amino acid conservation, physicochemical variation, residue mobility, and thermodynamic stability) has been performed for this missense variant. However, the output from this modeling did not meet the statistical confidence thresholds required to predict the impact of this variant on COL2A1 protein function. In summary, the available evidence is currently insufficient to determine the role of this variant in disease. Therefore, it has been classified as a Variant of Uncertain Significance.

NM_001844.5(COL2A1):c.3662C>G (p.Ser1221Cys)

Gene: COL2A1 (collagen type II alpha 1 chain; minus strand). Cytogenetic location: 12q13.11.
Variant type: single nucleotide variant.
Coding change: c.3662C>G on transcript NM_001844.5 (MANE Select); coding-DNA position 3662, C replaced by G.
Protein change: p.Ser1221Cys; replaces serine 1221 with cysteine.
Molecular consequence: missense variant.
Genome position (GRCh38, 1-based): chr12:47,975,541, G>C on the plus strand (C>G on the coding strand, the complement: COL2A1 is on the minus strand). VCF-style: chr12-47975541-G-C. GRCh37 (hg19) VCF-style: chr12-48369324-G-C.
Other names: c.3455C>G, p.Ser1152Cys (NM_033150.3); short protein forms S1221C, S1152C.
Identifiers: ClinVar variation 4747047 (VCV004747047.1).